The following is an entry in ClinVar:

NM_000553.6(WRN):c.2245G>T (p.Asp749Tyr)

Gene: WRN (WRN RecQ like helicase; plus strand). Cytogenetic location: 8p12.
Variant type: single nucleotide variant.
Coding change: c.2245G>T on transcript NM_000553.6 (MANE Select); coding-DNA position 2245, G replaced by T.
Protein change: p.Asp749Tyr; replaces aspartic acid 749 with tyrosine.
Molecular consequence: missense variant.
Genome position (GRCh38, 1-based): chr8:31,111,771, G>T. VCF-style: chr8-31111771-G-T. GRCh37 (hg19) VCF-style: chr8-30969287-G-T.
Other names: short protein forms D749Y.
Identifiers: ClinVar variation 651000 (VCV000651000.4), dbSNP rs1585472057, ClinGen allele CA370912881.

ClinVar aggregate classification (germline): Uncertain significance (1 of 4 stars; one submission).

Conditions:
Werner syndrome (WRN). Identifiers: Orphanet 902, MedGen C0043119, MONDO:0010196, OMIM 277700.

Submission:

Labcorp Genetics (formerly Invitae), Labcorp
Classification: Uncertain significance for Werner syndrome. Last evaluated: 2018-09-03. Review status: criteria provided, single submitter. Criteria: Invitae Variant Classification Sherloc (09022015). Collection method: clinical testing. Allele origin: germline.
Comment: This sequence change replaces aspartic acid with tyrosine at codon 749 of the WRN protein (p.Asp749Tyr). The aspartic acid residue is highly conserved and there is a large physicochemical difference between aspartic acid and tyrosine. This variant is not present in population databases (ExAC no frequency). This variant has not been reported in the literature in individuals with WRN-related disease. Algorithms developed to predict the effect of missense changes on protein structure and function (SIFT, PolyPhen-2, Align-GVGD) all suggest that this variant is likely to be disruptive, but these predictions have not been confirmed by published functional studies and their clinical significance is uncertain. In summary, the available evidence is currently insufficient to determine the role of this variant in disease. Therefore, it has been classified as a Variant of Uncertain Significance.